The following is an entry in ClinVar:

NM_007374.3(SIX6):c.21G>A (p.Leu7=)

Genes: SIX6 (SIX homeobox 6; plus strand), C14orf39 (chromosome 14 open reading frame 39; minus strand). Cytogenetic location: 14q23.1.
Variant type: single nucleotide variant.
Coding change: c.21G>A on transcript NM_007374.3 (MANE Select); coding-DNA position 21, G replaced by A.
Protein change: p.Leu7=; no amino-acid change (leucine 7 retained).
Molecular consequence: synonymous variant.
Genome position (GRCh38, 1-based): chr14:60,509,419, G>A. VCF-style: chr14-60509419-G-A. GRCh37 (hg19) VCF-style: chr14-60976137-G-A.
Identifiers: ClinVar variation 882020 (VCV000882020.15), dbSNP rs61746410, ClinGen allele CA7212541.

ClinVar aggregate classification (germline): Benign/Likely benign. Review status: criteria provided, multiple submitters, no conflicts (2 of 4 stars). 4 submissions from 4 submitters: Benign (2); Likely benign (2). Last evaluated 2026-02-04.

Conditions:
Anophthalmia-microphthalmia syndrome. Also called: Anophthalmia/Microphthalmia; Anophthalmia - microphthalmia. Identifiers: Orphanet 98555, MedGen C5680330, MONDO:0020147.

Allele frequency attached by ClinVar (database versions not stated): 1000 Genomes Project 30x 0.01156; 1000 Genomes Project 0.01158; TOPMed 0.01965; gnomAD exomes 0.02009 and 0.02975; ExAC 0.02051; gnomAD 0.02150 and 0.02217; ESP Exome Variant Server 0.02300.
gnomAD v4.1: 46,245 of 1,599,486 alleles (2.9%); highest among the groups gnomAD compares: Non-Finnish European, 3.4%; 756 homozygotes.

Submissions (4):

Labcorp Genetics (formerly Invitae), Labcorp
Classification: Benign. Last evaluated: 2026-02-04. Review status: criteria provided, single submitter. Criteria: Invitae Variant Classification Sherloc (09022015). Collection method: clinical testing. Allele origin: germline.

GeneDx
Classification: Benign. Last evaluated: 2019-02-06. Review status: criteria provided, single submitter. Criteria: GeneDx Variant Classification Process June 2021. Collection method: clinical testing. Allele origin: germline. Affected: yes.
Comment: This variant is associated with the following publications: (PMID: 15266624)

Illumina Laboratory Services, Illumina
Classification: Likely benign for Anophthalmia-microphthalmia syndrome. Last evaluated: 2018-01-13. Review status: criteria provided, single submitter. Criteria: ICSL Variant Classification Criteria 13 December 2019. Collection method: clinical testing. Allele origin: germline.
Comment: This variant was observed in the ICSL laboratory as part of a predisposition screen in an ostensibly healthy population. It had not been previously curated by ICSL or reported in the Human Gene Mutation Database (HGMD: prior to June 1st, 2018), and was therefore a candidate for classification through an automated scoring system. Utilizing variant allele frequency, disease prevalence and penetrance estimates, and inheritance mode, an automated score was calculated to assess if this variant is too frequent to cause the disease. Based on the score and internal cut-off values, a variant classified as likely benign is not then subjected to further curation. The score for this variant resulted in a classification of likely benign for this disease.

Breakthrough Genomics
Classification: Likely benign. Review status: criteria provided, single submitter. Criteria: ACMG Guidelines, 2015. Collection method: not provided. Allele origin: germline. Inheritance: Autosomal recessive inheritance. Affected: yes.